The following is an entry in ClinVar:

ClinVar aggregate classification (germline): Uncertain significance. Review status: criteria provided, multiple submitters, no conflicts (2 of 4 stars). 2 submissions from 2 submitters: Uncertain significance (2). Last evaluated 2024-06-23.

Conditions:
Distal hereditary motor neuropathy type 2. Identifiers: Orphanet 139525, MedGen C3711384, MeSH C580044, MONDO:0015352.

Allele frequency attached by ClinVar (database versions not stated): ExAC 0.00002; gnomAD exomes 0.00002; TOPMed 0.00003; gnomAD 0.00004 and 0.00005; ESP Exome Variant Server 0.00015.
gnomAD v4.1: 20 of 1,613,324 alleles (0.0012%); highest among the groups gnomAD compares: African/African-American, 0.0053%; 1 homozygote.

Submissions (2):

Labcorp Genetics (formerly Invitae), Labcorp
Classification: Uncertain significance for Distal hereditary motor neuropathy type 2. Last evaluated: 2024-06-23. Review status: criteria provided, single submitter. Criteria: Invitae Variant Classification Sherloc (09022015). Collection method: clinical testing. Allele origin: germline.
Comment: This sequence change replaces alanine, which is neutral and non-polar, with threonine, which is neutral and polar, at codon 1045 of the FBXO38 protein (p.Ala1045Thr). This variant is present in population databases (rs140529583, gnomAD 0.01%), including at least one homozygous and/or hemizygous individual. This variant has not been reported in the literature in individuals affected with FBXO38-related conditions. ClinVar contains an entry for this variant (Variation ID: 1349080). An algorithm developed to predict the effect of missense changes on protein structure and function (PolyPhen-2) suggests that this variant is likely to be disruptive. In summary, the available evidence is currently insufficient to determine the role of this variant in disease. Therefore, it has been classified as a Variant of Uncertain Significance.

Ambry Genetics
Classification: Uncertain significance. Last evaluated: 2021-04-30. Review status: criteria provided, single submitter. Criteria: Ambry Variant Classification Scheme 2023. Collection method: clinical testing. Allele origin: germline.
Comment: The p.A1120T variant (also known as c.3358G>A), located in coding exon 20 of the FBXO38 gene, results from a G to A substitution at nucleotide position 3358. The alanine at codon 1120 is replaced by threonine, an amino acid with similar properties. This amino acid position is highly conserved in available vertebrate species. In addition, the in silico prediction for this alteration is inconclusive. Since supporting evidence is limited at this time, the clinical significance of this alteration remains unclear.

NM_205836.3(FBXO38):c.3358G>A (p.Ala1120Thr)

Gene: FBXO38 (F-box protein 38; plus strand). Cytogenetic location: 5q32.
Variant type: single nucleotide variant.
Coding change: c.3358G>A on transcript NM_205836.3 (MANE Select); coding-DNA position 3358, G replaced by A.
Protein change: p.Ala1120Thr; replaces alanine 1120 with threonine.
Molecular consequence: missense variant.
Genome position (GRCh38, 1-based): chr5:148,441,207, G>A. VCF-style: chr5-148441207-G-A. GRCh37 (hg19) VCF-style: chr5-147820770-G-A.
Other names: c.2623G>A, p.Ala875Thr (NM_001271723.2); c.3133G>A, p.Ala1045Thr (NM_030793.5); short protein forms A1120T, A1045T, A875T.
Identifiers: ClinVar variation 1349080 (VCV001349080.10), dbSNP rs140529583, ClinGen allele CA3497730.